The following is an entry in ClinVar:

NM_001145358.2(SIN3A):c.2521G>C (p.Glu841Gln)

Gene: SIN3A (SIN3 transcription regulator family member A; minus strand). Cytogenetic location: 15q24.2.
Variant type: single nucleotide variant.
Coding change: c.2521G>C on transcript NM_001145358.2 (MANE Select); coding-DNA position 2521, G replaced by C.
Protein change: p.Glu841Gln; replaces glutamic acid 841 with glutamine.
Molecular consequence: missense variant.
Genome position (GRCh38, 1-based): chr15:75,392,572, C>G on the plus strand (G>C on the coding strand, the complement: SIN3A is on the minus strand). VCF-style: chr15-75392572-C-G. GRCh37 (hg19) VCF-style: chr15-75684913-C-G.
Other names: c.2521G>C, p.Glu841Gln (NM_001145357.2, NM_001437462.1, NM_001437463.1 and 1 more transcripts); short protein forms E841Q.
Identifiers: ClinVar variation 4992772 (VCV004992772.1).

ClinVar aggregate classification (germline): Uncertain significance (1 of 4 stars; one submission).

Conditions:
SIN3A-related disorder. Also called: SIN3A-related condition.

gnomAD v4.1: 1 of 1,614,066 alleles (0.000062%); highest among the groups gnomAD compares: Non-Finnish European, 0.000085%; no homozygotes.

Submission:

PreventionGenetics, part of Exact Sciences
Classification: Uncertain significance for SIN3A-related condition. Last evaluated: 2025-12-11. Review status: criteria provided, single submitter. Criteria: ACMG Guidelines, 2015. Collection method: clinical testing. Allele origin: germline.
Comment: The SIN3A c.2521G>C variant is predicted to result in the amino acid substitution p.Glu841Gln. To our knowledge, this variant has not been reported in the literature. This variant is reported in 0.00088% of alleles in individuals of European (Non-Finnish) descent in gnomAD. At this time, the clinical significance of this variant is uncertain due to the absence of conclusive functional and genetic evidence.